The following is an entry in ClinVar:

NM_003835.4(RGS9):c.1630G>A (p.Gly544Arg)

Gene: RGS9 (regulator of G protein signaling 9; plus strand). Cytogenetic location: 17q24.1.
Variant type: single nucleotide variant.
Coding change: c.1630G>A on transcript NM_003835.4 (MANE Select); coding-DNA position 1630, G replaced by A.
Protein change: p.Gly544Arg; replaces glycine 544 with arginine.
Molecular consequence: missense variant.
Genome position (GRCh38, 1-based): chr17:65,225,224, G>A. VCF-style: chr17-65225224-G-A. GRCh37 (hg19) VCF-style: chr17-63221342-G-A.
Other names: c.1621G>A, p.Gly541Arg (NM_001081955.3); short protein forms G544R, G541R.
Identifiers: ClinVar variation 710507 (VCV000710507.14), dbSNP rs115768099, ClinGen allele CA8718108.

ClinVar aggregate classification (germline): Benign/Likely benign. Review status: criteria provided, multiple submitters, no conflicts (2 of 4 stars). 3 submissions from 3 submitters: Benign (1); Likely benign (1). 1 of the submissions does not count toward it. Last evaluated 2026-01-19.

Conditions:
RGS9-related disorder. Also called: RGS9-related condition.

Allele frequency attached by ClinVar (database versions not stated): ExAC 0.00116; ESP Exome Variant Server 0.00364; gnomAD 0.00379; TOPMed 0.00408; 1000 Genomes Project 30x 0.00422; 1000 Genomes Project 0.00459.
gnomAD v4.1: 1,281 of 1,612,068 alleles (0.079%); highest among the groups gnomAD compares: African/African-American, 1.3%; 4 homozygotes.

Submissions (3):

Labcorp Genetics (formerly Invitae), Labcorp
Classification: Benign. Last evaluated: 2026-01-19. Review status: criteria provided, single submitter. Criteria: Invitae Variant Classification Sherloc (09022015). Collection method: clinical testing. Allele origin: germline.

Blueprint Genetics
Classification: Likely benign. Last evaluated: 2024-11-21. Review status: criteria provided, single submitter. Criteria: ACMG Guidelines, 2015. Collection method: clinical testing. Allele origin: germline.

PreventionGenetics, part of Exact Sciences
Classification: Benign for RGS9-related condition. Last evaluated: 2019-07-24. Review status: no assertion criteria provided. Collection method: clinical testing. Allele origin: germline. Not counted in ClinVar's aggregate classification.
Comment: This variant is classified as benign based on ACMG/AMP sequence variant interpretation guidelines (Richards et al. 2015 PMID: 25741868, with internal and published modifications).